The following is an entry in ClinVar:

ClinVar aggregate classification (germline): Uncertain significance (1 of 4 stars; one submission).

Submission:

Labcorp Genetics (formerly Invitae), Labcorp
Classification: Uncertain significance. Last evaluated: 2025-03-29. Review status: criteria provided, single submitter. Criteria: Invitae Variant Classification Sherloc (09022015). Collection method: clinical testing. Allele origin: germline.
Comment: This sequence change replaces proline, which is neutral and non-polar, with histidine, which is basic and polar, at codon 493 of the FLAD1 protein (p.Pro493His). This variant is not present in population databases (gnomAD no frequency). This variant has not been reported in the literature in individuals affected with FLAD1-related conditions. An algorithm developed to predict the effect of missense changes on protein structure and function (PolyPhen-2) suggests that this variant is likely to be disruptive. In summary, the available evidence is currently insufficient to determine the role of this variant in disease. Therefore, it has been classified as a Variant of Uncertain Significance.

NM_025207.5(FLAD1):c.1478C>A (p.Pro493His)

Gene: FLAD1 (flavin adenine dinucleotide synthetase 1; plus strand). Cytogenetic location: 1q21.3.
Variant type: single nucleotide variant.
Coding change: c.1478C>A on transcript NM_025207.5 (MANE Select); coding-DNA position 1478, C replaced by A.
Protein change: p.Pro493His; replaces proline 493 with histidine.
Molecular consequence: missense variant.
Genome position (GRCh38, 1-based): chr1:154,990,452, C>A. VCF-style: chr1-154990452-C-A. GRCh37 (hg19) VCF-style: chr1-154962928-C-A.
Other names: c.1187C>A, p.Pro396His (NM_001184891.2, NM_201398.3); short protein forms P396H, P493H.
Identifiers: ClinVar variation 4715211 (VCV004715211.1).